The following is an entry in ClinVar:

NM_014989.7(RIMS1):c.3089G>A (p.Arg1030Gln)

Gene: RIMS1 (regulating synaptic membrane exocytosis 1; plus strand). Cytogenetic location: 6q13.
Variant type: single nucleotide variant.
Coding change: c.3089G>A on transcript NM_014989.7 (MANE Select); coding-DNA position 3089, G replaced by A.
Protein change: p.Arg1030Gln; replaces arginine 1030 with glutamine.
Molecular consequence: missense variant. On other transcripts: intron variant (14).
Genome position (GRCh38, 1-based): chr6:72,260,740, G>A. VCF-style: chr6-72260740-G-A. GRCh37 (hg19) VCF-style: chr6-72970443-G-A.
Other names: c.1508G>A, p.Arg503Gln (NM_001168407.2, NM_001350415.2, NM_001350418.2 and 13 more transcripts); c.1511G>A, p.Arg504Gln (NM_001168408.2, NM_001350414.2, NM_001350416.2 and 10 more transcripts); c.1268G>A, p.Arg423Gln (NM_001168409.2, NM_001350464.2, NM_001350465.2 and 2 more transcripts); c.1466G>A, p.Arg489Gln (NM_001168410.2, NM_001350470.2, NM_001350473.2); c.1439G>A, p.Arg480Gln (NM_001350421.2, NM_001350430.2, NM_001350437.2 and 2 more transcripts); c.1442G>A, p.Arg481Gln (NM_001350424.2, NM_001350428.2, NM_001350459.2 and 1 more transcripts); c.1265G>A, p.Arg422Gln (NM_001350461.2, NM_001350463.2); c.1463G>A, p.Arg488Gln (NM_001350472.2); and 5 more; short protein forms R1030Q, R503Q, R422Q, R480Q, R489Q, R423Q, R488Q, R481Q.
Identifiers: ClinVar variation 2046572 (VCV002046572.4), dbSNP rs367992303, ClinGen allele CA3886125.
Genomic context (GRCh38, chr6:72,260,740, plus strand): 5'-CTCACCACCCATCCTGTCTGTGCAGTGAGCTTCTTATGCTGCCCAGAGCAAAACGAGGAC[G>A]AAGTGCAGAATGCCTACATACTACCAGGTAAATACAGGGATTTGGTAATGGTGACTGTGT-3'
Protein context (NP_055804.2, residues 1020-1040): LLMLPRAKRG[Arg1030Gln]SAECLHTTRH

ClinVar aggregate classification (germline): Uncertain significance (1 of 4 stars; one submission).

Allele frequency attached by ClinVar (database versions not stated): ExAC 0.00003; ESP Exome Variant Server 0.00008.
gnomAD v4.1: 19 of 1,612,234 alleles (0.0012%); highest among the groups gnomAD compares: African/African-American, 0.0027%; no homozygotes.

Submission:

Labcorp Genetics (formerly Invitae), Labcorp
Classification: Uncertain significance. Last evaluated: 2025-04-30. Review status: criteria provided, single submitter. Criteria: Invitae Variant Classification Sherloc (09022015). Collection method: clinical testing. Allele origin: germline.
Comment: This sequence change replaces arginine, which is basic and polar, with glutamine, which is neutral and polar, at codon 1030 of the RIMS1 protein (p.Arg1030Gln). This variant is present in population databases (rs367992303, gnomAD 0.02%). This variant has not been reported in the literature in individuals affected with RIMS1-related conditions. ClinVar contains an entry for this variant (Variation ID: 2046572). An algorithm developed to predict the effect of missense changes on protein structure and function (PolyPhen-2) suggests that this variant is likely to be disruptive. In summary, the available evidence is currently insufficient to determine the role of this variant in disease. Therefore, it has been classified as a Variant of Uncertain Significance.